The following is an entry in ClinVar:

NM_001244008.2(KIF1A):c.41C>T (p.Pro14Leu)

Gene: KIF1A (kinesin family member 1A; minus strand). Cytogenetic location: 2q37.3.
Variant type: single nucleotide variant.
Coding change: c.41C>T on transcript NM_001244008.2 (MANE Select); coding-DNA position 41, C replaced by T.
Protein change: p.Pro14Leu; replaces proline 14 with leucine.
Molecular consequence: missense variant.
Genome position (GRCh38, 1-based): chr2:240,797,712, G>A on the plus strand (C>T on the coding strand, the complement: KIF1A is on the minus strand). VCF-style: chr2-240797712-G-A. GRCh37 (hg19) VCF-style: chr2-241737129-G-A.
Other names: c.41C>T, p.Pro14Leu (NM_001379633.1, NM_001379634.1, NM_001379635.1 and 20 more transcripts); short protein forms P14L.
Identifiers: ClinVar variation 245852 (VCV000245852.7), dbSNP rs879253976, ClinGen allele CA10584200.

ClinVar aggregate classification (germline): Conflicting classifications of pathogenicity. Review status: criteria provided, conflicting classifications (1 of 4 stars). 3 submissions from 3 submitters: Likely pathogenic (2); Uncertain significance (1). Last evaluated 2021-09-01.

Conditions:
Hereditary spastic paraplegia. Also called: Familial spastic paraparesis. Identifiers: Orphanet 685, MedGen C0037773, MONDO:0019064. Disease mechanism: loss of function.
Intellectual disability. Also called: Intellectual functioning disability; intellectual disabilities; Intellectual developmental disorder. Identifiers: MedGen C3714756, MeSH D008607, MONDO:0001071, HP:0001249.

Submissions (3):

Genome Diagnostics Laboratory, The Hospital for Sick Children
Classification: Likely pathogenic for Hereditary spastic paraplegia. Last evaluated: 2021-09-01. Review status: criteria provided, single submitter. Criteria: ACMG Guidelines, 2015. Collection method: clinical testing. Allele origin: germline. Affected: yes.

Diagnostic Laboratory, Strasbourg University Hospital
Classification: Likely pathogenic for Intellectual disability. Last evaluated: 2020-04-20. Review status: criteria provided, single submitter. Criteria: ACMG Guidelines, 2015. Collection method: clinical testing. Allele origin: de novo. Inheritance: Autosomal dominant inheritance. Affected: yes. Observed: 1 heterozygote.

GeneDx
Classification: Uncertain significance. Last evaluated: 2015-08-05. Review status: criteria provided, single submitter. Criteria: GeneDx Variant Classification (06012015). Collection method: clinical testing. Allele origin: germline. Affected: yes.
Comment: The P14L variant in the KIF1A gene has not been published as pathogenic, nor has it been reported as a benign polymorphism to our knowledge. The P14L variant was not observed in approximately 6100 individuals of European and African American ancestry in the NHLBI Exome Sequencing Project, indicating it is not a common benign variant in these populations. The P14L variant is a semi-conservative amino acid substitution, which occurs at a position within the kinesin motor domain that is conserved across species. In silico analysis predicts this variant is probably damaging to the protein structure/function. We interpret P14L as a variant of unknown significance.